The following is an entry in ClinVar:

NM_003705.5(SLC25A12):c.1058G>A (p.Arg353Gln)

Gene: SLC25A12 (solute carrier family 25 member 12; minus strand). Cytogenetic location: 2q31.1.
Variant type: single nucleotide variant.
Coding change: c.1058G>A on transcript NM_003705.5 (MANE Select); coding-DNA position 1058, G replaced by A.
Protein change: p.Arg353Gln; replaces arginine 353 with glutamine.
Molecular consequence: missense variant. On other transcripts: non-coding transcript variant (1).
Genome position (GRCh38, 1-based): chr2:171,813,452, C>T on the plus strand (G>A on the coding strand, the complement: SLC25A12 is on the minus strand). VCF-style: chr2-171813452-C-T. GRCh37 (hg19) VCF-style: chr2-172669962-C-T.
Other names: short protein forms R353Q.
Identifiers: ClinVar variation 253136 (VCV000253136.14), dbSNP rs886037851, ClinGen allele CA10602462.

ClinVar aggregate classification (germline): Conflicting classifications of pathogenicity. Review status: criteria provided, conflicting classifications (1 of 4 stars). 3 submissions from 3 submitters: Likely pathogenic (1); Uncertain significance (1). 1 of the submissions does not count toward it. Last evaluated 2025-11-24.

Conditions:
Developmental and epileptic encephalopathy, 39 (DEE39). Also called: DEVELOPMENTAL AND EPILEPTIC ENCEPHALOPATHY 39 WITH LEUKODYSTROPHY. Identifiers: Orphanet 353217, MedGen C2751855, MONDO:0013056, OMIM 612949.

Allele frequency attached by ClinVar (database versions not stated): gnomAD exomes below 0.00001.
gnomAD v4.1: 2 of 1,614,010 alleles (0.00012%); highest among the groups gnomAD compares: East Asian, 0.0022%; no homozygotes.

Submissions (3):

Labcorp Genetics (formerly Invitae), Labcorp
Classification: Uncertain significance. Last evaluated: 2025-11-24. Review status: criteria provided, single submitter. Criteria: Invitae Variant Classification Sherloc (09022015). Collection method: clinical testing. Allele origin: germline.
Comment: This sequence change replaces arginine, which is basic and polar, with glutamine, which is neutral and polar, at codon 353 of the SLC25A12 protein (p.Arg353Gln). This variant is not present in population databases (gnomAD no frequency). This missense change has been observed in individual(s) with SLC25A12-related conditions (PMID: 24515575, 34052969). It has also been observed to segregate with disease in related individuals. ClinVar contains an entry for this variant (Variation ID: 253136). Invitae Evidence Modeling of protein sequence and biophysical properties (such as structural, functional, and spatial information, amino acid conservation, physicochemical variation, residue mobility, and thermodynamic stability) indicates that this missense variant is expected to disrupt SLC25A12 protein function with a positive predictive value of 80%. Experimental studies have shown that this missense change affects SLC25A12 function (PMID: 24515575). In summary, the available evidence is currently insufficient to determine the role of this variant in disease. Therefore, it has been classified as a Variant of Uncertain Significance.

3billion
Classification: Likely pathogenic for Developmental and epileptic encephalopathy, 39. Last evaluated: 2024-11-01. Review status: criteria provided, single submitter. Criteria: ACMG Guidelines, 2015. Collection method: clinical testing. Allele origin: germline. Affected: yes.
Comment: The variant is observed at an extremely low frequency in the gnomAD v4.1.0 dataset (total allele frequency: <0.001%). Predicted Consequence/Location: Missense variant Functional studies provide moderate evidence of the variant having a damaging effect on the gene or gene product (PMID: 24515575). In silico tool predictions suggest damaging effect of the variant on gene or gene product [REVEL: 0.97 (>=0.6, sensitivity 0.68 and specificity 0.92)]. The same nucleotide change resulting in the same amino acid change has been previously reported to be associated with SLC25A12 related disorder (ClinVar ID: VCV000253136 /PMID: 24515575). Therefore, this variant is classified as Likely pathogenic according to the recommendation of ACMG/AMP guideline.

OMIM
Classification: Pathogenic for DEVELOPMENTAL AND EPILEPTIC ENCEPHALOPATHY 39 WITH LEUKODYSTROPHY. Last evaluated: 2022-10-28. Review status: no assertion criteria provided. Collection method: literature only. Allele origin: germline. Not counted in ClinVar's aggregate classification.

Literature cited by the submitters: PubMed 24515575 (cited by 3 submitters); PubMed 34052969 (cited by Labcorp Genetics (formerly Invitae), Labcorp).